The following is an entry in ClinVar:

ClinVar aggregate classification (germline): Likely benign. Review status: criteria provided, multiple submitters, no conflicts (2 of 4 stars). 4 submissions from 4 submitters: Likely benign (4). Last evaluated 2026-02-02.

Conditions:
Xeroderma pigmentosum (XP). Identifiers: Orphanet 910, MedGen C0043346, MONDO:0019600.
Fanconi anemia complementation group Q. Identifiers: Orphanet 84, MedGen C3808988, MONDO:0014108, OMIM 615272.
Cockayne syndrome. Identifiers: Orphanet 191, MedGen C0009207, MONDO:0016006.
Xeroderma pigmentosum, group F (XPF). Also called: XERODERMA PIGMENTOSUM VI; XP, GROUP F; ERCC4-Related Xeroderma Pigmentosum; XERODERMA PIGMENTOSUM, TYPE F; Xeroderma pigmentosum, type 6; XERODERMA PIGMENTOSUM, COMPLEMENTATION GROUP F. Identifiers: MedGen C0268140, MONDO:0010215, OMIM 278760.

Allele frequency attached by ClinVar (database versions not stated): gnomAD exomes 0.00007 and 0.00011; ExAC 0.00009; 1000 Genomes Project 0.00020; gnomAD 0.00020 and 0.00021; TOPMed 0.00022; 1000 Genomes Project 30x 0.00031; ESP Exome Variant Server 0.00031.
gnomAD v4.1: 128 of 1,613,702 alleles (0.0079%); highest among the groups gnomAD compares: African/African-American, 0.044%; 1 homozygote.

Submissions (4):

Labcorp Genetics (formerly Invitae), Labcorp
Classification: Likely benign for Fanconi anemia complementation group Q; Xeroderma pigmentosum, group F; Cockayne syndrome. Last evaluated: 2026-02-02. Review status: criteria provided, single submitter. Criteria: Invitae Variant Classification Sherloc (09022015). Collection method: clinical testing. Allele origin: germline.

CeGaT Center for Human Genetics Tuebingen
Classification: Likely benign. Last evaluated: 2024-04-01. Review status: criteria provided, single submitter. Criteria: CeGaT Center For Human Genetics Tuebingen Variant Classification Criteria Version 2. Collection method: clinical testing. Allele origin: germline. Affected: yes. Observed: 3 variant alleles.
Comment: ERCC4: BP4, BP7

Blueprint Genetics
Classification: Likely benign. Last evaluated: 2024-01-02. Review status: criteria provided, single submitter. Criteria: ACMG Guidelines, 2015. Collection method: clinical testing. Allele origin: germline.

Sema4
Classification: Likely benign for Xeroderma pigmentosum. Last evaluated: 2021-08-19. Review status: criteria provided, single submitter. Criteria: Sema4 Curation Guidelines. Collection method: curation. Allele origin: germline.

NM_005236.3(ERCC4):c.738G>A (p.Ser246=)

Gene: ERCC4 (ERCC excision repair 4, endonuclease catalytic subunit; plus strand). Cytogenetic location: 16p13.12.
Variant type: single nucleotide variant.
Coding change: c.738G>A on transcript NM_005236.3 (MANE Select); coding-DNA position 738, G replaced by A.
Protein change: p.Ser246=; no amino-acid change (serine 246 retained).
Molecular consequence: synonymous variant.
Genome position (GRCh38, 1-based): chr16:13,928,181, G>A. VCF-style: chr16-13928181-G-A. GRCh37 (hg19) VCF-style: chr16-14022038-G-A.
Identifiers: ClinVar variation 695609 (VCV000695609.36), dbSNP rs146650135, ClinGen allele CA7910260.